The following is an entry in ClinVar:

NM_000069.3(CACNA1S):c.258+1G>A

Gene: CACNA1S (calcium voltage-gated channel subunit alpha1 S; minus strand). Cytogenetic location: 1q32.1.
Variant type: single nucleotide variant.
Coding change: c.258+1G>A on transcript NM_000069.3 (MANE Select); the canonical splice donor site of the intron after coding-DNA position 258, G replaced by A.
Molecular consequence: splice donor variant.
Genome position (GRCh38, 1-based): chr1:201,110,163, C>T on the plus strand (G>A on the coding strand, the complement: CACNA1S is on the minus strand). VCF-style: chr1-201110163-C-T. GRCh37 (hg19) VCF-style: chr1-201079291-C-T.
Identifiers: ClinVar variation 3071752 (VCV003071752.1), dbSNP rs2464691050, ClinGen allele CA344155592.
Genomic context (GRCh38, chr1:201,110,163, plus strand): 5'-GGGCCTCCCCAAGCCTGGGGCTGCAGGCTCGCAGGAAGGGAGATGGAAGGGCCAATCTTA[C>T]CAGGCCGAGGTTCAGAGAGTTGTTGTCATCTTCCGGCATGGGCAGGTACACGGCCAGGGC-3'

ClinVar aggregate classification (germline): Uncertain significance (1 of 4 stars; one submission).

Conditions:
Malignant hyperthermia, susceptibility to, 5 (MHS5). Also called: CACNA1S-Related Malignant Hyperthermia Susceptibility. Identifiers: Orphanet 423, MedGen C1866077, MONDO:0011163, OMIM 601887.

Submission:

All of Us Research Program, National Institutes of Health
Classification: Uncertain significance for Malignant hyperthermia, susceptibility to, 5. Last evaluated: 2023-06-28. Review status: criteria provided, single submitter. Criteria: ACMG Guidelines, 2015. Collection method: clinical testing. Allele origin: germline. Inheritance: Autosomal dominant inheritance. Observed: 1 variant allele, 1 heterozygote.
Comment: This study involves interpretation of variants in research participants for the purpose of population health screening. Participant phenotype was not available at the time of variant classification. Additional details can be found in publication PMID: 35346344, PMCID: PMC8962531